The following is an entry in ClinVar:

NM_182493.3(MYLK3):c.2319G>C (p.Leu773Phe)

Gene: MYLK3 (myosin light chain kinase 3; minus strand). Cytogenetic location: 16q11.2.
Variant type: single nucleotide variant.
Coding change: c.2319G>C on transcript NM_182493.3 (MANE Select); coding-DNA position 2319, G replaced by C.
Protein change: p.Leu773Phe; replaces leucine 773 with phenylalanine.
Molecular consequence: missense variant.
Genome position (GRCh38, 1-based): chr16:46,709,620, C>G on the plus strand (G>C on the coding strand, the complement: MYLK3 is on the minus strand). VCF-style: chr16-46709620-C-G. GRCh37 (hg19) VCF-style: chr16-46743532-C-G.
Other names: c.1296G>C, p.Leu432Phe (NM_001308301.1); short protein forms L432F, L773F.
Identifiers: ClinVar variation 2895845 (VCV002895845.3), dbSNP rs371796025, ClinGen allele CA8037623.

ClinVar aggregate classification (germline): Uncertain significance (1 of 4 stars; one submission).

Allele frequency attached by ClinVar (database versions not stated): ExAC 0.00001; gnomAD 0.00001; TOPMed below 0.00001; ESP Exome Variant Server 0.00008.
gnomAD v4.1: 5 of 1,614,008 alleles (0.00031%); highest among the groups gnomAD compares: Non-Finnish European, 0.00042%; no homozygotes.

Submission:

Labcorp Genetics (formerly Invitae), Labcorp
Classification: Uncertain significance. Last evaluated: 2025-10-29. Review status: criteria provided, single submitter. Criteria: Invitae Variant Classification Sherloc (09022015). Collection method: clinical testing. Allele origin: germline.
Comment: This sequence change replaces leucine, which is neutral and non-polar, with phenylalanine, which is neutral and non-polar, at codon 773 of the MYLK3 protein (p.Leu773Phe). This variant is present in population databases (rs371796025, gnomAD 0.0009%). This variant has not been reported in the literature in individuals affected with MYLK3-related conditions. ClinVar contains an entry for this variant (Variation ID: 2895845). An algorithm developed to predict the effect of missense changes on protein structure and function (PolyPhen-2) suggests that this variant is likely to be tolerated. In summary, the available evidence is currently insufficient to determine the role of this variant in disease. Therefore, it has been classified as a Variant of Uncertain Significance.